The following is an entry in ClinVar:

ClinVar aggregate classification (germline): Uncertain significance (1 of 4 stars; one submission).

Allele frequency attached by ClinVar (database versions not stated): gnomAD 0.00001; TOPMed 0.00001.
gnomAD v4.1: 2 of 1,613,932 alleles (0.00012%); highest among the groups gnomAD compares: African/African-American, 0.0027%; no homozygotes.

Submission:

Ambry Genetics
Classification: Uncertain significance. Last evaluated: 2022-05-04. Review status: criteria provided, single submitter. Criteria: Ambry Variant Classification Scheme 2023. Collection method: clinical testing. Allele origin: germline.
Comment: The p.L2020V variant (also known as c.6058C>G), located in coding exon 19 of the POLQ gene, results from a C to G substitution at nucleotide position 6058. The leucine at codon 2020 is replaced by valine, an amino acid with highly similar properties. This amino acid position is conserved. In addition, this alteration is predicted to be tolerated by in silico analysis. Since supporting evidence is limited at this time, the clinical significance of this alteration remains unclear.

NM_199420.4(POLQ):c.6058C>G (p.Leu2020Val)

Gene: POLQ (DNA polymerase theta; minus strand). Cytogenetic location: 3q13.33.
Variant type: single nucleotide variant.
Coding change: c.6058C>G on transcript NM_199420.4 (MANE Select); coding-DNA position 6058, C replaced by G.
Protein change: p.Leu2020Val; replaces leucine 2020 with valine.
Molecular consequence: missense variant.
Genome position (GRCh38, 1-based): chr3:121,481,725, G>C on the plus strand (C>G on the coding strand, the complement: POLQ is on the minus strand). VCF-style: chr3-121481725-G-C. GRCh37 (hg19) VCF-style: chr3-121200572-G-C.
Other names: short protein forms L2020V.
Identifiers: ClinVar variation 1751300 (VCV001751300.2), dbSNP rs1014994381, ClinGen allele CA81830713.